The following is an entry in ClinVar:

NM_001135649.3(FOXI3):c.121G>T (p.Asp41Tyr)

Gene: FOXI3 (forkhead box I3; minus strand). Cytogenetic location: 2p11.2.
Variant type: single nucleotide variant.
Coding change: c.121G>T on transcript NM_001135649.3 (MANE Select); coding-DNA position 121, G replaced by T.
Protein change: p.Asp41Tyr; replaces aspartic acid 41 with tyrosine.
Molecular consequence: missense variant.
Genome position (GRCh38, 1-based): chr2:88,452,415, C>A on the plus strand (G>T on the coding strand, the complement: FOXI3 is on the minus strand). VCF-style: chr2-88452415-C-A. GRCh37 (hg19) VCF-style: chr2-88751933-C-A.
Other names: short protein forms D41Y.
Identifiers: ClinVar variation 3728635 (VCV003728635.2).

ClinVar aggregate classification (germline): Uncertain significance (1 of 4 stars; one submission).

Submission:

Labcorp Genetics (formerly Invitae), Labcorp
Classification: Uncertain significance. Last evaluated: 2025-01-07. Review status: criteria provided, single submitter. Criteria: Invitae Variant Classification Sherloc (09022015). Collection method: clinical testing. Allele origin: germline.
Comment: This sequence change replaces aspartic acid, which is acidic and polar, with tyrosine, which is neutral and polar, at codon 41 of the FOXI3 protein (p.Asp41Tyr). The frequency data for this variant in the population databases is considered unreliable, as metrics indicate insufficient coverage at this position in the gnomAD database. This variant has not been reported in the literature in individuals affected with FOXI3-related conditions. Experimental studies and prediction algorithms are not available or were not evaluated, and the functional significance of this variant is currently unknown. In summary, the available evidence is currently insufficient to determine the role of this variant in disease. Therefore, it has been classified as a Variant of Uncertain Significance.